The following is an entry in ClinVar:

ClinVar aggregate classification (germline): Uncertain significance (1 of 4 stars; one submission).

gnomAD v4.1: 2 of 1,612,246 alleles (0.00012%); highest among the groups gnomAD compares: Admixed American, 0.0033%; no homozygotes.

Submission:

Labcorp Genetics (formerly Invitae), Labcorp
Classification: Uncertain significance. Last evaluated: 2024-06-08. Review status: criteria provided, single submitter. Criteria: Invitae Variant Classification Sherloc (09022015). Collection method: clinical testing. Allele origin: germline.
Comment: This sequence change replaces aspartic acid, which is acidic and polar, with glycine, which is neutral and non-polar, at codon 208 of the GHR protein (p.Asp208Gly). This variant is not present in population databases (gnomAD no frequency). This variant has not been reported in the literature in individuals affected with GHR-related conditions. Advanced modeling of protein sequence and biophysical properties (such as structural, functional, and spatial information, amino acid conservation, physicochemical variation, residue mobility, and thermodynamic stability) performed at Invitae indicates that this missense variant is not expected to disrupt GHR protein function with a negative predictive value of 80%. In summary, the available evidence is currently insufficient to determine the role of this variant in disease. Therefore, it has been classified as a Variant of Uncertain Significance.

NM_000163.5(GHR):c.623A>G (p.Asp208Gly)

Gene: GHR (growth hormone receptor; plus strand). Cytogenetic location: 5p12.
Variant type: single nucleotide variant.
Coding change: c.623A>G on transcript NM_000163.5 (MANE Select); coding-DNA position 623, A replaced by G.
Protein change: p.Asp208Gly; replaces aspartic acid 208 with glycine.
Molecular consequence: missense variant.
Genome position (GRCh38, 1-based): chr5:42,711,211, A>G. VCF-style: chr5-42711211-A-G. GRCh37 (hg19) VCF-style: chr5-42711313-A-G.
Other names: c.644A>G, p.Asp215Gly (NM_001242399.2); c.623A>G, p.Asp208Gly (NM_001242400.2, NM_001242401.4, NM_001242402.2 and 5 more transcripts); c.557A>G, p.Asp186Gly (NM_001242460.2); short protein forms D215G, D186G, D208G.
Identifiers: ClinVar variation 3700349 (VCV003700349.2).